The following is an entry in ClinVar:

ClinVar aggregate classification (germline): Uncertain significance. Review status: criteria provided, multiple submitters, no conflicts (2 of 4 stars). 3 submissions from 3 submitters: Uncertain significance (3). Last evaluated 2024-11-23.

Conditions:
PRDM13-related disorder. Also called: PRDM13-related condition.
Inborn genetic diseases. Identifiers: MedGen C0950123, MeSH D030342.

Allele frequency attached by ClinVar (database versions not stated): gnomAD exomes below 0.00001; TOPMed below 0.00001; gnomAD 0.00001.

Submissions (3):

PreventionGenetics, part of Exact Sciences
Classification: Uncertain significance for PRDM13-related condition. Last evaluated: 2024-11-23. Review status: criteria provided, single submitter. Criteria: ACMG Guidelines, 2015. Collection method: clinical testing. Allele origin: germline.
Comment: The PRDM13 c.604C>T variant is predicted to result in the amino acid substitution p.Pro202Ser. To our knowledge, this variant has not been reported in the literature. This variant is present in 0.0029% of alleles in individuals of Latino descent in gnomAD. At this time, the clinical significance of this variant is uncertain due to the absence of conclusive functional and genetic evidence.

Ambry Genetics
Classification: Uncertain significance for Inborn genetic diseases. Last evaluated: 2024-06-05. Review status: criteria provided, single submitter. Criteria: Ambry Variant Classification Scheme 2023. Collection method: clinical testing. Allele origin: germline.

Labcorp Genetics (formerly Invitae), Labcorp
Classification: Uncertain significance. Last evaluated: 2023-05-12. Review status: criteria provided, single submitter. Criteria: Invitae Variant Classification Sherloc (09022015). Collection method: clinical testing. Allele origin: germline.
Comment: This sequence change replaces proline, which is neutral and non-polar, with serine, which is neutral and polar, at codon 202 of the PRDM13 protein (p.Pro202Ser). This variant is present in population databases (no rsID available, gnomAD 0.003%). This variant has not been reported in the literature in individuals affected with PRDM13-related conditions. ClinVar contains an entry for this variant (Variation ID: 855147). Algorithms developed to predict the effect of missense changes on protein structure and function output the following: SIFT: "Not Available"; PolyPhen-2: "Benign"; Align-GVGD: "Not Available". The serine amino acid residue is found in multiple mammalian species, which suggests that this missense change does not adversely affect protein function. In summary, the available evidence is currently insufficient to determine the role of this variant in disease. Therefore, it has been classified as a Variant of Uncertain Significance.

NM_021620.4(PRDM13):c.604C>T (p.Pro202Ser)

Gene: PRDM13 (PR/SET domain 13; plus strand). Cytogenetic location: 6q16.2.
Variant type: single nucleotide variant.
Coding change: c.604C>T on transcript NM_021620.4 (MANE Select); coding-DNA position 604, C replaced by T.
Protein change: p.Pro202Ser; replaces proline 202 with serine.
Molecular consequence: missense variant.
Genome position (GRCh38, 1-based): chr6:99,613,239, C>T. VCF-style: chr6-99613239-C-T. GRCh37 (hg19) VCF-style: chr6-100061115-C-T.
Other names: short protein forms P202S.
Identifiers: ClinVar variation 855147 (VCV000855147.11), dbSNP rs1305365979, ClinGen allele CA365115764.
Genomic context (GRCh38, chr6:99,613,239, plus strand): 5'-GTCCCAGCGGCTGATGGCCTCGGTCTCTCCCCAAAACCCCCGGCGCCCGATTTCGCCGCG[C>T]CTTCCCAGGCAGGAACTTTGCGACCCCACCCCCTGGGCCCGCCACCAGTTCAGGCCTGCG-3'
Protein context (NP_067633.2, residues 192-212): PKPPAPDFAA[Pro202Ser]SQAGTLRPHP